The following is an entry in ClinVar:

ClinVar aggregate classification (germline): Uncertain significance. Review status: criteria provided, multiple submitters, no conflicts (2 of 4 stars). 3 submissions from 3 submitters: Uncertain significance (3). Last evaluated 2025-09-03.

Conditions:
Hereditary cancer-predisposing syndrome. Also called: Hereditary Cancer Syndrome; Tumor predisposition; Neoplastic Syndromes, Hereditary; Hereditary neoplastic syndrome. Identifiers: Orphanet 140162, MedGen C0027672, MeSH D009386, MONDO:0015356.
Retinoblastoma (RB1). Also called: RETINOBLASTOMA, SOMATIC. Identifiers: Orphanet 790, MedGen C0035335, MeSH D012175, MONDO:0008380, OMIM 180200, HP:0009919. Disease mechanism: loss of function. Inheritance: Both sporadic and heritable forms are tested..

Allele frequency attached by ClinVar (database versions not stated): gnomAD exomes below 0.00001; gnomAD 0.00001; TOPMed 0.00001.
gnomAD v4.1: 4 of 1,565,706 alleles (0.00026%); highest among the groups gnomAD compares: Non-Finnish European, 0.00026%; no homozygotes.

Submissions (3):

Color Diagnostics, LLC DBA Color Health
Classification: Uncertain significance for Retinoblastoma. Last evaluated: 2025-09-03. Review status: criteria provided, single submitter. Criteria: ACMG Guidelines, 2015. Collection method: clinical testing. Allele origin: germline.
Comment: This missense variant replaces isoleucine with methionine at codon 297 of the RB1 protein. Computational prediction suggests that this variant may not impact protein structure and function. To our knowledge, functional studies have not been reported for this variant. This variant has not been reported in individuals affected with RB1-related disorders in the literature. This variant has not been identified in the general population by the Genome Aggregation Database (gnomAD). The available evidence is insufficient to determine the role of this variant in disease conclusively. Therefore, this variant is classified as a Variant of Uncertain Significance.

Ambry Genetics
Classification: Uncertain significance for Hereditary cancer-predisposing syndrome. Last evaluated: 2024-08-19. Review status: criteria provided, single submitter. Criteria: Ambry Variant Classification Scheme 2023. Collection method: clinical testing. Allele origin: germline.
Comment: The p.I297M variant (also known as c.891A>G), located in coding exon 9 of the RB1 gene, results from an A to G substitution at nucleotide position 891. The isoleucine at codon 297 is replaced by methionine, an amino acid with highly similar properties. This amino acid position is well conserved in available vertebrate species. In addition, the in silico prediction for this alteration is inconclusive. Since supporting evidence is limited at this time, the clinical significance of this alteration remains unclear.

Labcorp Genetics (formerly Invitae), Labcorp
Classification: Uncertain significance for Retinoblastoma. Last evaluated: 2024-06-14. Review status: criteria provided, single submitter. Criteria: Invitae Variant Classification Sherloc (09022015). Collection method: clinical testing. Allele origin: germline.
Comment: This sequence change replaces isoleucine, which is neutral and non-polar, with methionine, which is neutral and non-polar, at codon 297 of the RB1 protein (p.Ile297Met). This variant is not present in population databases (gnomAD no frequency). This variant has not been reported in the literature in individuals affected with RB1-related conditions. ClinVar contains an entry for this variant (Variation ID: 1016303). Advanced modeling of protein sequence and biophysical properties (such as structural, functional, and spatial information, amino acid conservation, physicochemical variation, residue mobility, and thermodynamic stability) performed at Invitae indicates that this missense variant is not expected to disrupt RB1 protein function with a negative predictive value of 80%. In summary, the available evidence is currently insufficient to determine the role of this variant in disease. Therefore, it has been classified as a Variant of Uncertain Significance.

NM_000321.3(RB1):c.891A>G (p.Ile297Met)

Gene: RB1 (RB transcriptional corepressor 1; plus strand). Cytogenetic location: 13q14.2.
Variant type: single nucleotide variant.
Coding change: c.891A>G on transcript NM_000321.3 (MANE Select); coding-DNA position 891, A replaced by G.
Protein change: p.Ile297Met; replaces isoleucine 297 with methionine.
Molecular consequence: missense variant.
Genome position (GRCh38, 1-based): chr13:48,364,923, A>G. VCF-style: chr13-48364923-A-G. GRCh37 (hg19) VCF-style: chr13-48939059-A-G.
Other names: short protein forms I297M.
Identifiers: ClinVar variation 1016303 (VCV001016303.13), dbSNP rs1952680086, ClinGen allele CA388159942.